The following is an entry in ClinVar:

ClinVar aggregate classification (germline): Pathogenic (1 of 4 stars; one submission).

Conditions:
Hereditary cancer-predisposing syndrome. Also called: Hereditary Cancer Syndrome; Neoplastic Syndromes, Hereditary; Hereditary neoplastic syndrome; Tumor predisposition. Identifiers: Orphanet 140162, MedGen C0027672, MeSH D009386, MONDO:0015356.

Submission:

Ambry Genetics
Classification: Pathogenic for Hereditary cancer-predisposing syndrome. Last evaluated: 2015-11-09. Review status: criteria provided, single submitter. Criteria: Ambry Variant Classification Scheme 2023. Collection method: clinical testing. Allele origin: germline.
Comment: The c.3749_3750delAA pathogenic mutation, located in coding exon 15 of the APC gene, results from a deletion of two nucleotides between nucleotide positions 3749 and 3750, causing a translational frameshift with a predicted alternate stop codon. This deletion has been reported in numerous ancestrally diverse cohorts consisting of families with familial adenomatous polyposis (Miyaki M et al., Cancer Res. 1994 Jun; 54(11):3011-20; Friedl W et al., Hered Cancer Clin Pract 2005; 3(3):95-114; Enomoto M et al., Jpn. J. Clin. Oncol. 2000 Feb; 30(2):82-8; Miyoshi Y et al., Proc. Natl. Acad. Sci. U.S.A. 1992 May; 89(10):4452-6; Paffenholz R et al., Hum. Mol. Genet. 1994 Sep; 3(9):1703-4). In addition to the clinical data presented in the literature, since frameshifts are typically deleterious in nature, this alteration is interpreted as a disease-causing mutation (ACMG Recommendations for Standards for Interpretation and Reporting of Sequence Variations. Revision 2007. Genet Med. 2008;10:294).

Literature cited by the submitters: PubMed 10768871; PubMed 1316610; PubMed 20223039; PubMed 7833936; PubMed 8187091.

NM_000038.6(APC):c.3749_3750del (p.Lys1250fs)

Gene: APC (APC regulator of Wnt signaling pathway; plus strand). Cytogenetic location: 5q22.2.
Variant type: Deletion.
Coding change: c.3749_3750del on transcript NM_000038.6 (MANE Select); coding-DNA positions 3749 to 3750, 2 bases deleted (AA; older notation c.3749_3750delAA).
Protein change: p.Lys1250fs; shifts the reading frame from lysine 1250.
Molecular consequence: frameshift variant.
Genome position (GRCh38, 1-based): chr5:112,839,343-112,839,344, AA deleted; deleting any 2 consecutive bases within chr5:112,839,342-112,839,344 gives the same sequence; the c. name uses the placement nearest the transcript's 3' end. VCF-style (leftmost placement, unchanged base first): chr5-112839341-CAA-C. GRCh37 (hg19) VCF-style: chr5-112175038-CAA-C.
Other names: c.3749_3750del, p.Lys1250fs (NM_001127510.3, NM_001354895.2); c.3695_3696del, p.Lys1232fs (NM_001127511.3); c.3803_3804del, p.Lys1268fs (NM_001354896.2); c.3779_3780del, p.Lys1260fs (NM_001354897.2); c.3674_3675del, p.Lys1225fs (NM_001354898.2); c.3665_3666del, p.Lys1222fs (NM_001354899.2); c.3626_3627del, p.Lys1209fs (NM_001354900.2); c.3572_3573del, p.Lys1191fs (NM_001354901.2); and 5 more; short protein forms K1124fs, K1209fs, K1225fs, K1260fs, K1090fs, K1232fs, K967fs, K1159fs.
Identifiers: ClinVar variation 428143 (VCV000428143.5), dbSNP rs1114167583, ClinGen allele CA645369373.